The following is an entry in ClinVar:

ClinVar aggregate classification (germline): Uncertain significance (1 of 4 stars; one submission).

Allele frequency attached by ClinVar (database versions not stated): gnomAD exomes below 0.00001.
gnomAD v4.1: 1 of 1,594,778 alleles (0.000063%); highest among the groups gnomAD compares: Admixed American, 0.0017%; no homozygotes.

Submission:

Labcorp Genetics (formerly Invitae), Labcorp
Classification: Uncertain significance. Last evaluated: 2023-05-30. Review status: criteria provided, single submitter. Criteria: Invitae Variant Classification Sherloc (09022015). Collection method: clinical testing. Allele origin: germline.
Comment: In summary, the available evidence is currently insufficient to determine the role of this variant in disease. Therefore, it has been classified as a Variant of Uncertain Significance. Variants that disrupt the consensus splice site are a relatively common cause of aberrant splicing (PMID: 17576681, 9536098). Algorithms developed to predict the effect of sequence changes on RNA splicing suggest that this variant is not likely to affect RNA splicing. This variant has not been reported in the literature in individuals affected with PAFAH1B1-related conditions. This variant is present in population databases (no rsID available, gnomAD 0.003%). This sequence change falls in intron 8 of the PAFAH1B1 gene. It does not directly change the encoded amino acid sequence of the PAFAH1B1 protein. It affects a nucleotide within the consensus splice site.

Literature cited by the submitters: PubMed 17576681; PubMed 9536098.

NM_000430.4(PAFAH1B1):c.900+5T>C

Gene: PAFAH1B1 (platelet activating factor acetylhydrolase 1b regulatory subunit 1; plus strand). Cytogenetic location: 17p13.3.
Variant type: single nucleotide variant.
Coding change: c.900+5T>C on transcript NM_000430.4 (MANE Select); 5 bases into the intron after coding-DNA position 900, T replaced by C.
Molecular consequence: intron variant.
Genome position (GRCh38, 1-based): chr17:2,674,293, T>C. VCF-style: chr17-2674293-T-C. GRCh37 (hg19) VCF-style: chr17-2577587-T-C.
Identifiers: ClinVar variation 2749334 (VCV002749334.3), dbSNP rs1342299684, ClinGen allele CA624849128.
Genomic context (GRCh38, chr17:2,674,293, plus strand): 5'-TTTCCTGGGCTCCAGAAAGCTCATATTCCTCCATCTCTGAAGCAACAGGATCTGAGGTAC[T>C]GTATATACAAATGTCTTCATGGTTTTATTGCTGATATCTGAAGTCCTTAGATAACTTTGC-3'